The following is an entry in ClinVar:

NM_007294.4(BRCA1):c.2205del (p.Glu736fs)

Gene: BRCA1 (BRCA1 DNA repair associated; minus strand). Cytogenetic location: 17q21.31.
Variant type: Deletion.
Coding change: c.2205del on transcript NM_007294.4 (MANE Select); coding-DNA position 2205, one base deleted (A; older notation c.2205delA).
Protein change: p.Glu736fs; shifts the reading frame from glutamic acid 736.
Molecular consequence: frameshift variant. On other transcripts: intron variant (137).
Genome position (GRCh38, 1-based): chr17:43,093,326, T deleted on the plus strand (A on the coding strand, the reverse complement: BRCA1 is on the minus strand). VCF-style (leftmost placement, unchanged base first): chr17-43093325-CT-C. GRCh37 (hg19) VCF-style: chr17-41245342-CT-C.
Other names: 2324delA; c.1992del, p.Glu665fs (NM_001407916.1, NM_001407917.1, NM_001407918.1 and 9 more transcripts); c.2082del, p.Glu695fs (NM_001407919.1, NM_001407937.1, NM_001407938.1 and 19 more transcripts); c.1941del, p.Glu648fs (NM_001407920.1, NM_001407921.1, NM_001407922.1 and 9 more transcripts); c.1938del, p.Glu647fs (NM_001407930.1, NM_001407931.1, NM_001407932.1 and 2 more transcripts); c.2079del, p.Glu694fs (NM_001407940.1, NM_001407941.1, NM_001407649.1 and 11 more transcripts); c.2064del, p.Glu689fs (NM_001407942.1, NM_001407944.1, NM_001407945.1 and 29 more transcripts); c.2061del, p.Glu688fs (NM_001407943.1, NM_001407964.1, NM_001407740.1 and 20 more transcripts); and 43 more; short protein forms E689fs, E736fs, E608fs, E624fs, E625fs, E648fs, E665fs, E688fs.
Identifiers: ClinVar variation 266238 (VCV000266238.6), dbSNP rs886040015, ClinGen allele CA10589875.
Genomic context (GRCh38, chr17:43,093,325, plus strand): 5'-TTTCTCCACTTAACATGAGATCTTTGGGGTCTTCAGCATTATTAGACACTTTAACTGTTT[CT>C]AGTTTCTCTTCTTTTTCTTCTCTTGGAAGGCTAGGATTGACAAATTCTTTAAGTTCACTG-3'

ClinVar aggregate classification (germline): Pathogenic. Review status: reviewed by expert panel (3 of 4 stars). 2 submissions from 2 submitters: Pathogenic (1). 1 of the submissions does not count toward it. Last evaluated 2016-10-18.

Conditions:
Breast-ovarian cancer, familial, susceptibility to, 1 (BROVCA1). Also called: BRCA1 Hereditary Breast and Ovarian Cancer; OVARIAN CANCER, SUSCEPTIBILITY TO. Identifiers: Orphanet 145, MedGen C2676676, MONDO:0011450, OMIM 604370. Disease mechanism: loss of function.

Submissions (2):

Evidence-based Network for the Interpretation of Germline Mutant Alleles (ENIGMA)
Classification: Pathogenic for Breast-ovarian cancer, familial, susceptibility to, 1. Last evaluated: 2016-10-18. Review status: reviewed by expert panel. Criteria: ENIGMA BRCA1/2 Classification Criteria (2015). Collection method: curation. Allele origin: germline.
Comment: Variant allele predicted to encode a truncated non-functional protein.

Consortium of Investigators of Modifiers of BRCA1/2 (CIMBA), c/o University of Cambridge
Classification: Pathogenic for Breast-ovarian cancer, familial, susceptibility to, 1. Last evaluated: 2015-10-02. Review status: criteria provided, single submitter. Criteria: CIMBA Mutation Classification guidelines May 2016. Collection method: clinical testing. Allele origin: germline. Not counted in ClinVar's aggregate classification.